The following is an entry in ClinVar:

Conditions:
Breast-ovarian cancer, familial, susceptibility to, 1 (BROVCA1). Also called: BRCA1 Hereditary Breast and Ovarian Cancer; OVARIAN CANCER, SUSCEPTIBILITY TO. Identifiers: Orphanet 145, MedGen C2676676, MONDO:0011450, OMIM 604370. Disease mechanism: loss of function.

Submission:

Brotman Baty Institute, University of Washington
No classification provided (evidence only). Condition: Breast-ovarian cancer, familial 1. Review status: no classification provided. Collection method: in vitro. Allele origin: not applicable. Functional consequence: functionally_abnormal.
ClinVar note: "not provided" was previously submitted as the classification for the variant. However, the classification appeared to be based only on an observation of functional data so it was converted to no classification on 2025-07-30.

NM_007294.4(BRCA1):c.4906A>T (p.Lys1636Ter)

Gene: BRCA1 (BRCA1 DNA repair associated; minus strand). Cytogenetic location: 17q21.31.
Variant type: single nucleotide variant.
Coding change: c.4906A>T on transcript NM_007294.4 (MANE Select); coding-DNA position 4906, A replaced by T.
Protein change: p.Lys1636Ter; replaces lysine 1636 with a stop codon.
Molecular consequence: nonsense. On other transcripts: non-coding transcript variant (1).
Genome position (GRCh38, 1-based): chr17:43,071,008, T>A on the plus strand (A>T on the coding strand, the complement: BRCA1 is on the minus strand). VCF-style: chr17-43071008-T-A. GRCh37 (hg19) VCF-style: chr17-41223025-T-A.
Other names: c.4693A>T, p.Lys1565Ter (NM_001407571.1, NM_001407895.1, NM_001407896.1 and 12 more transcripts); c.4972A>T, p.Lys1658Ter (NM_001407581.1, NM_001407582.1); c.4969A>T, p.Lys1657Ter (NM_001407583.1, NM_001407585.1, NM_001407587.1 and 1 more transcripts); c.4966A>T, p.Lys1656Ter (NM_001407590.1, NM_001407591.1); c.4906A>T, p.Lys1636Ter (NM_001407593.1, NM_001407594.1, NM_001407596.1 and 8 more transcripts); c.4903A>T, p.Lys1635Ter (NM_001407610.1, NM_001407611.1, NM_001407612.1 and 17 more transcripts); c.4900A>T, p.Lys1634Ter (NM_001407627.1, NM_001407628.1, NM_001407629.1 and 14 more transcripts); c.4897A>T, p.Lys1633Ter (NM_001407644.1, NM_001407645.1); and 70 more; short protein forms K1589*, K1657*, K532*, K1636*, K1509*, K1548*, K1593*, K1594*.
Identifiers: ClinVar variation 865404 (VCV000865404.3), dbSNP rs2052382533, ClinGen allele CA10591711.